The following is an entry in ClinVar:

NM_001330260.2(SCN8A):c.4858C>T (p.Arg1620Ter)

Gene: SCN8A (sodium voltage-gated channel alpha subunit 8; plus strand). Cytogenetic location: 12q13.13.
Variant type: single nucleotide variant.
Coding change: c.4858C>T on transcript NM_001330260.2 (MANE Select); coding-DNA position 4858, C replaced by T.
Protein change: p.Arg1620Ter; replaces arginine 1620 with a stop codon.
Molecular consequence: nonsense.
Genome position (GRCh38, 1-based): chr12:51,806,344, C>T. VCF-style: chr12-51806344-C-T. GRCh37 (hg19) VCF-style: chr12-52200128-C-T.
Other names: c.4735C>T, p.Arg1579Ter (NM_001177984.3, NM_001369788.1); c.4858C>T, p.Arg1620Ter (NM_014191.4); short protein forms R1579*, R1620*.
Identifiers: ClinVar variation 2784669 (VCV002784669.3), dbSNP rs1555230919, ClinGen allele CA384880390.

ClinVar aggregate classification (germline): Uncertain significance (1 of 4 stars; one submission).

Conditions:
Early-infantile DEE. Also called: Ohtahara syndrome; Early infantile epileptic encephalopathy; Early infantile epileptic encephalopathy with suppression bursts. Identifiers: Orphanet 1934, MedGen C0393706, MONDO:0800491.

Submission:

Labcorp Genetics (formerly Invitae), Labcorp
Classification: Uncertain significance for Early-infantile DEE. Last evaluated: 2024-03-07. Review status: criteria provided, single submitter. Criteria: Invitae Variant Classification Sherloc (09022015). Collection method: clinical testing. Allele origin: germline.
Comment: This sequence change creates a premature translational stop signal (p.Arg1620*) in the SCN8A gene. While this is not anticipated to result in nonsense mediated decay, it is expected to disrupt the last 361 amino acid(s) of the SCN8A protein. This variant is not present in population databases (gnomAD no frequency). This variant has not been reported in the literature in individuals affected with SCN8A-related conditions. Experimental studies and prediction algorithms are not available or were not evaluated, and the functional significance of this variant is currently unknown. In summary, the available evidence is currently insufficient to determine the role of this variant in disease. Therefore, it has been classified as a Variant of Uncertain Significance.